The following is an entry in ClinVar:

NM_024757.5(EHMT1):c.34_35insC (p.Arg12fs)

Gene: EHMT1 (euchromatic histone lysine methyltransferase 1; plus strand). Cytogenetic location: 9q34.3.
Variant type: Insertion.
Coding change: c.34_35insC on transcript NM_024757.5 (MANE Select); coding-DNA positions 34 to 35, C inserted.
Protein change: p.Arg12fs; shifts the reading frame from arginine 12.
Molecular consequence: frameshift variant. On other transcripts: intron variant (2).
Genome position: GRCh38 VCF-style: chr9-137710979-A-AC. GRCh37 (hg19) VCF-style: chr9-140605431-A-AC.
Other names: c.34_35insC, p.Arg12fs (NM_001145527.2, NM_001354263.2, NM_001354611.2); c.-8-5647_-8-5646insC (NM_001354259.2, NM_001354612.2); short protein forms R12fs.
Identifiers: ClinVar variation 3236864 (VCV003236864.1).

ClinVar aggregate classification (germline): Pathogenic (1 of 4 stars; one submission).

Conditions:
Kleefstra syndrome 1 (KLEFS1). Identifiers: Orphanet 261494, MedGen C0795833, MONDO:0027407, OMIM 610253.

Submission:

Laboratory of Genetics, Children's Clinical University Hospital Latvia
Classification: Pathogenic for Kleefstra syndrome 1. Review status: criteria provided, single submitter. Criteria: ACMG Guidelines, 2015. Collection method: curation. Allele origin: germline. Affected: yes.
Comment: Inheritance unknown

Literature cited by the submitters: PubMed 39013458.